The following is an entry in ClinVar:

NM_000936.4(PNLIP):c.545C>T (p.Thr182Ile)

Gene: PNLIP (pancreatic lipase; plus strand). Cytogenetic location: 10q25.3.
Variant type: single nucleotide variant.
Coding change: c.545C>T on transcript NM_000936.4 (MANE Select); coding-DNA position 545, C replaced by T.
Protein change: p.Thr182Ile; replaces threonine 182 with isoleucine.
Molecular consequence: missense variant.
Genome position (GRCh38, 1-based): chr10:116,553,812, C>T. VCF-style: chr10-116553812-C-T. GRCh37 (hg19) VCF-style: chr10-118313324-C-T.
Other names: short protein forms T182I.
Identifiers: ClinVar variation 2060662 (VCV002060662.1), dbSNP rs2493052662, ClinGen allele CA378494299.

ClinVar aggregate classification (germline): Uncertain significance (1 of 4 stars; one submission).

Submission:

Labcorp Genetics (formerly Invitae), Labcorp
Classification: Uncertain significance. Last evaluated: 2022-03-22. Review status: criteria provided, single submitter. Criteria: Invitae Variant Classification Sherloc (09022015). Collection method: clinical testing. Allele origin: germline.
Comment: This sequence change replaces threonine, which is neutral and polar, with isoleucine, which is neutral and non-polar, at codon 182 of the PNLIP protein (p.Thr182Ile). This variant is not present in population databases (gnomAD no frequency). This variant has not been reported in the literature in individuals affected with PNLIP-related conditions. Algorithms developed to predict the effect of missense changes on protein structure and function output the following: SIFT: "Not Available"; PolyPhen-2: "Benign"; Align-GVGD: "Not Available". The isoleucine amino acid residue is found in multiple mammalian species, which suggests that this missense change does not adversely affect protein function. In summary, the available evidence is currently insufficient to determine the role of this variant in disease. Therefore, it has been classified as a Variant of Uncertain Significance.